The following is an entry in ClinVar:

NM_004100.5(EYA4):c.971-3T>C

Gene: EYA4 (EYA transcriptional coactivator and phosphatase 4; plus strand). Cytogenetic location: 6q23.2.
Variant type: single nucleotide variant.
Coding change: c.971-3T>C on transcript NM_004100.5 (MANE Select); 3 bases into the intron before coding-DNA position 971, T replaced by C.
Molecular consequence: intron variant.
Genome position (GRCh38, 1-based): chr6:133,481,460, T>C. VCF-style: chr6-133481460-T-C. GRCh37 (hg19) VCF-style: chr6-133802598-T-C.
Other names: c.989-3T>C (NM_001301013.2); c.971-3T>C (NM_172105.4); c.902-3T>C (NM_001370458.1, NM_172103.4); c.827-3T>C (NM_001370459.1); c.809-3T>C (NM_001301012.2).
Identifiers: ClinVar variation 691813 (VCV000691813.7), dbSNP rs377224718, ClinGen allele CA148056293.
Genomic context (GRCh38, chr6:133,481,460, plus strand): 5'-TGAAGACTCATACTTGATCTAAAAATGAAGTGCTATTCTTGACCTAAGTCATGTTATCTA[T>C]AGGAGAGTTCGATACCATGCAGAGTCCCTCCACACCCATCAAAGATCTTGATGAGAGAAC-3'

ClinVar aggregate classification (germline): Uncertain significance. Review status: criteria provided, multiple submitters, no conflicts (2 of 4 stars). 3 submissions from 3 submitters: Uncertain significance (3). Last evaluated 2025-12-20.

Conditions:
Dilated cardiomyopathy 1J (CMD1J). Also called: CARDIOMYOPATHY, DILATED, WITH SENSORINEURAL HEARING LOSS, AUTOSOMAL DOMINANT. Identifiers: Orphanet 217622, MedGen C1854368, MONDO:0011541, OMIM 605362.
Cardiovascular phenotype. Identifiers: MedGen CN230736.
Left ventricular noncompaction cardiomyopathy. Also called: left ventricular non-compaction cardiomyopathy. Identifiers: MedGen C4021133, HP:0011664.

Allele frequency attached by ClinVar (database versions not stated): gnomAD exomes 0.00001; TOPMed 0.00001; gnomAD 0.00002; ESP Exome Variant Server 0.00008.
gnomAD v4.1: 10 of 1,613,290 alleles (0.00062%); highest among the groups gnomAD compares: African/African-American, 0.008%; no homozygotes.

Submissions (3):

Labcorp Genetics (formerly Invitae), Labcorp
Classification: Uncertain significance for Dilated cardiomyopathy 1J. Last evaluated: 2025-12-20. Review status: criteria provided, single submitter. Criteria: Invitae Variant Classification Sherloc (09022015). Collection method: clinical testing. Allele origin: germline.
Comment: This sequence change falls in intron 11 of the EYA4 gene. It does not directly change the encoded amino acid sequence of the EYA4 protein. It affects a nucleotide within the consensus splice site. This variant is present in population databases (rs377224718, gnomAD 0.02%). This variant has not been reported in the literature in individuals affected with EYA4-related conditions. ClinVar contains an entry for this variant (Variation ID: 691813). Variants that disrupt the consensus splice site are a relatively common cause of aberrant splicing (PMID: 17576681, 9536098). Algorithms developed to predict the effect of sequence changes on RNA splicing suggest that this variant is not likely to affect RNA splicing. In summary, the available evidence is currently insufficient to determine the role of this variant in disease. Therefore, it has been classified as a Variant of Uncertain Significance.

Ambry Genetics
Classification: Uncertain significance for Cardiovascular phenotype. Last evaluated: 2025-09-24. Review status: criteria provided, single submitter. Criteria: Ambry Variant Classification Scheme 2023. Collection method: clinical testing. Allele origin: germline.
Comment: The c.971-3T>C intronic variant results from a T to C substitution 3 nucleotides upstream from coding exon 11 in the EYA4 gene. This nucleotide position is poorly conserved in available vertebrate species. In silico splice site analysis predicts that this alteration will not have any significant effect on splicing. Based on the available evidence, the clinical significance of this variant remains unclear.

Klaassen Lab, Charite University Medicine Berlin
Classification: Uncertain significance for Left ventricular noncompaction cardiomyopathy. Last evaluated: 2019-07-03. Review status: criteria provided, single submitter. Criteria: ACMG Guidelines, 2015. Collection method: research. Allele origin: germline. Affected: yes.

Literature cited by the submitters: PubMed 17576681 (cited by Labcorp Genetics (formerly Invitae), Labcorp); PubMed 9536098 (cited by Labcorp Genetics (formerly Invitae), Labcorp); PubMed 31333075 (cited by Klaassen Lab, Charite University Medicine Berlin); PubMed 31568572 (cited by Klaassen Lab, Charite University Medicine Berlin).